The following is an entry in ClinVar:

NM_002303.6(LEPR):c.1273T>C (p.Leu425=)

Gene: LEPR (leptin receptor; plus strand). Cytogenetic location: 1p31.3.
Variant type: single nucleotide variant.
Coding change: c.1273T>C on transcript NM_002303.6 (MANE Select); coding-DNA position 1273, T replaced by C.
Protein change: p.Leu425=; no amino-acid change (leucine 425 retained).
Molecular consequence: synonymous variant.
Genome position (GRCh38, 1-based): chr1:65,601,670, T>C. VCF-style: chr1-65601670-T-C. GRCh37 (hg19) VCF-style: chr1-66067353-T-C.
Other names: c.1273T>C, p.Leu425= (NM_001003679.3, NM_001003680.3, NM_001198687.2 and 2 more transcripts).
Identifiers: ClinVar variation 3349260 (VCV003349260.1).

ClinVar aggregate classification (germline): Likely benign (0 of 4 stars; one submission).

Conditions:
LEPR-related disorder. Also called: LEPR-related condition; LEPR-related disorders.

gnomAD v4.1: 1 of 1,613,704 alleles (0.000062%); highest among the groups gnomAD compares: Non-Finnish European, 0.000085%; no homozygotes.

Submission:

PreventionGenetics, part of Exact Sciences
Classification: Likely benign for LEPR-related condition. Last evaluated: 2023-11-29. Review status: no assertion criteria provided. Collection method: clinical testing. Allele origin: germline.
Comment: This variant is classified as likely benign based on ACMG/AMP sequence variant interpretation guidelines (Richards et al. 2015 PMID: 25741868, with internal and published modifications).